The following is an entry in ClinVar:

ClinVar aggregate classification (germline): Benign/Likely benign. Review status: criteria provided, multiple submitters, no conflicts (2 of 4 stars). 3 submissions from 3 submitters: Benign (1); Likely benign (2). Last evaluated 2026-08-04.

Conditions:
Familial colorectal cancer type X. Identifiers: Orphanet 440437, MedGen C3896578, MONDO:0018604.

gnomAD v4.1: 4 of 1,598,308 alleles (0.00025%); highest among the groups gnomAD compares: Non-Finnish European, 0.00025%; no homozygotes.

Submissions (3):

Myriad Genetics, Inc.
Classification: Benign for Familial colorectal cancer type X. Last evaluated: 2026-08-04. Review status: criteria provided, single submitter. Criteria: Myriad Autosomal Dominant, Autosomal Recessive and X-Linked Classification Criteria (2023). Collection method: clinical testing. Allele origin: unknown.
Comment: This variant is considered benign. This variant is a silent/synonymous amino acid change and it is not expected to impact splicing.

Labcorp Genetics (formerly Invitae), Labcorp
Classification: Likely benign. Last evaluated: 2024-04-07. Review status: criteria provided, single submitter. Criteria: Invitae Variant Classification Sherloc (09022015). Collection method: clinical testing. Allele origin: germline.

Ambry Genetics
Classification: Likely benign. Last evaluated: 2022-04-04. Review status: criteria provided, single submitter. Criteria: Ambry Variant Classification Scheme 2023. Collection method: clinical testing. Allele origin: germline.

NM_001023.4(RPS20):c.306T>C (p.Thr102=)

Gene: RPS20 (ribosomal protein S20; minus strand). Cytogenetic location: 8q12.1.
Variant type: single nucleotide variant.
Coding change: c.306T>C on transcript NM_001023.4 (MANE Select); coding-DNA position 306, T replaced by C.
Protein change: p.Thr102=; no amino-acid change (threonine 102 retained).
Molecular consequence: synonymous variant.
Genome position (GRCh38, 1-based): chr8:56,073,144, A>G on the plus strand (T>C on the coding strand, the complement: RPS20 is on the minus strand). VCF-style: chr8-56073144-A-G. GRCh37 (hg19) VCF-style: chr8-56985703-A-G.
Other names: c.306T>C, p.Thr102= (NM_001146227.3).
Identifiers: ClinVar variation 1799485 (VCV001799485.5), dbSNP rs749176723, ClinGen allele CA4754319.